The following is an entry in ClinVar:

ClinVar aggregate classification (germline): Uncertain significance (1 of 4 stars; one submission).

Conditions:
Inborn genetic diseases. Identifiers: MedGen C0950123, MeSH D030342.

Submission:

Ambry Genetics
Classification: Uncertain significance for Inborn genetic diseases. Last evaluated: 2026-06-02. Review status: criteria provided, single submitter. Criteria: Ambry Variant Classification Scheme 2023. Collection method: clinical testing. Allele origin: germline.
Comment: The p.Q312E variant (also known as c.934C>G), located in coding exon 1 of the SAMD9 gene, results from a C to G substitution at nucleotide position 934. The glutamine at codon 312 is replaced by glutamic acid, an amino acid with highly similar properties. This amino acid position is conserved. In addition, this alteration is predicted to be tolerated by in silico analysis. Based on the available evidence, the clinical significance of this variant remains unclear.

NM_017654.4(SAMD9):c.934C>G (p.Gln312Glu)

Gene: SAMD9 (sterile alpha motif domain containing 9; minus strand). Cytogenetic location: 7q21.2.
Variant type: single nucleotide variant.
Coding change: c.934C>G on transcript NM_017654.4 (MANE Select); coding-DNA position 934, C replaced by G.
Protein change: p.Gln312Glu; replaces glutamine 312 with glutamic acid.
Molecular consequence: missense variant.
Genome position (GRCh38, 1-based): chr7:93,105,164, G>C on the plus strand (C>G on the coding strand, the complement: SAMD9 is on the minus strand). VCF-style: chr7-93105164-G-C. GRCh37 (hg19) VCF-style: chr7-92734477-G-C.
Other names: c.934C>G, p.Gln312Glu (NM_001193307.2); short protein forms Q312E.
Identifiers: ClinVar variation 4863885 (VCV004863885.1).